The following is an entry in ClinVar:

ClinVar aggregate classification (germline): Uncertain significance. Review status: criteria provided, multiple submitters, no conflicts (2 of 4 stars). 2 submissions from 2 submitters: Uncertain significance (2). Last evaluated 2024-07-10.

Conditions:
Cardiovascular phenotype. Identifiers: MedGen CN230736.
Dilated cardiomyopathy 1W (CMD1W). Identifiers: Orphanet 154, MedGen C1969639, MONDO:0012667, OMIM 611407.

Submissions (2):

Labcorp Genetics (formerly Invitae), Labcorp
Classification: Uncertain significance for Dilated cardiomyopathy 1W. Last evaluated: 2024-07-10. Review status: criteria provided, single submitter. Criteria: Invitae Variant Classification Sherloc (09022015). Collection method: clinical testing. Allele origin: germline.
Comment: This sequence change replaces lysine, which is basic and polar, with asparagine, which is neutral and polar, at codon 444 of the VCL protein (p.Lys444Asn). This variant is not present in population databases (gnomAD no frequency). This variant has not been reported in the literature in individuals affected with VCL-related conditions. ClinVar contains an entry for this variant (Variation ID: 2624708). An algorithm developed to predict the effect of missense changes on protein structure and function (PolyPhen-2) suggests that this variant is likely to be disruptive. In summary, the available evidence is currently insufficient to determine the role of this variant in disease. Therefore, it has been classified as a Variant of Uncertain Significance.

Ambry Genetics
Classification: Uncertain significance for Cardiovascular phenotype. Last evaluated: 2023-08-13. Review status: criteria provided, single submitter. Criteria: Ambry Variant Classification Scheme 2023. Collection method: clinical testing. Allele origin: germline.
Comment: The p.K444N variant (also known as c.1332A>C), located in coding exon 10 of the VCL gene, results from an A to C substitution at nucleotide position 1332. The lysine at codon 444 is replaced by asparagine, an amino acid with similar properties. This amino acid position is conserved. In addition, this alteration is predicted to be tolerated by in silico analysis. Since supporting evidence is limited at this time, the clinical significance of this alteration remains unclear.

NM_014000.3(VCL):c.1332A>C (p.Lys444Asn)

Gene: VCL (vinculin; plus strand). Cytogenetic location: 10q22.2.
Variant type: single nucleotide variant.
Coding change: c.1332A>C on transcript NM_014000.3 (MANE Select); coding-DNA position 1332, A replaced by C.
Protein change: p.Lys444Asn; replaces lysine 444 with asparagine.
Molecular consequence: missense variant.
Genome position (GRCh38, 1-based): chr10:74,090,178, A>C. VCF-style: chr10-74090178-A-C. GRCh37 (hg19) VCF-style: chr10-75849936-A-C.
Other names: c.1332A>C, p.Lys444Asn (NM_003373.4); short protein forms K444N.
Identifiers: ClinVar variation 2624708 (VCV002624708.4), dbSNP rs2549223371, ClinGen allele CA377273388.